The following is an entry in ClinVar:

ClinVar aggregate classification (germline): Uncertain significance (1 of 4 stars; one submission).

gnomAD v4.1: 15 of 1,613,066 alleles (0.00093%); highest among the groups gnomAD compares: East Asian, 0.0089%; no homozygotes.

Submission:

Labcorp Genetics (formerly Invitae), Labcorp
Classification: Uncertain significance. Last evaluated: 2025-10-11. Review status: criteria provided, single submitter. Criteria: Invitae Variant Classification Sherloc (09022015). Collection method: clinical testing. Allele origin: germline.
Comment: This sequence change affects codon 1194 of the NALCN mRNA. It is a 'silent' change, meaning that it does not change the encoded amino acid sequence of the NALCN protein. It affects a nucleotide within the consensus splice site. This variant is present in population databases (rs201831882, gnomAD 0.02%). This variant has not been reported in the literature in individuals affected with NALCN-related conditions. Algorithms developed to predict the effect of sequence changes on RNA splicing suggest that this variant is not likely to affect RNA splicing. In summary, the available evidence is currently insufficient to determine the role of this variant in disease. Therefore, it has been classified as a Variant of Uncertain Significance.

NM_052867.4(NALCN):c.3582G>A (p.Pro1194=)

Gene: NALCN (sodium leak channel, non-selective; minus strand). Cytogenetic location: 13q32.3.
Variant type: single nucleotide variant.
Coding change: c.3582G>A on transcript NM_052867.4 (MANE Select); coding-DNA position 3582, G replaced by A.
Protein change: p.Pro1194=; no amino-acid change (proline 1194 retained).
Molecular consequence: synonymous variant.
Genome position (GRCh38, 1-based): chr13:101,083,712, C>T on the plus strand (G>A on the coding strand, the complement: NALCN is on the minus strand). VCF-style: chr13-101083712-C-T. GRCh37 (hg19) VCF-style: chr13-101736063-C-T.
Other names: c.3669G>A, p.Pro1223= (NM_001350748.2); c.3582G>A, p.Pro1194= (NM_001350749.2); c.3495G>A, p.Pro1165= (NM_001350750.2, NM_001350751.2).
Identifiers: ClinVar variation 4703681 (VCV004703681.1).